The following is an entry in ClinVar:

ClinVar aggregate classification (germline): Uncertain significance (1 of 4 stars; one submission).

Conditions:
3-hydroxy-3-methylglutaryl-CoA synthase deficiency (HMGCS2D). Also called: MITOCHONDRIAL HMG-CoA SYNTHASE DEFICIENCY; HMG-CoA synthase-2 deficiency; HMGCS2 DEFICIENCY. Identifiers: Orphanet 35701, MedGen C2751532, MONDO:0011614, OMIM 605911.

Allele frequency attached by ClinVar (database versions not stated): gnomAD exomes below 0.00001; ExAC 0.00001.
gnomAD v4.1: 1 of 1,614,224 alleles (0.000062%); highest among the groups gnomAD compares: Admixed American, 0.0017%; no homozygotes.

Submission:

Labcorp Genetics (formerly Invitae), Labcorp
Classification: Uncertain significance for 3-hydroxy-3-methylglutaryl-CoA synthase deficiency. Last evaluated: 2019-09-11. Review status: criteria provided, single submitter. Criteria: Invitae Variant Classification Sherloc (09022015). Collection method: clinical testing. Allele origin: germline.
Comment: In summary, the available evidence is currently insufficient to determine the role of this variant in disease. Therefore, it has been classified as a Variant of Uncertain Significance. This sequence change replaces threonine with arginine at codon 143 of the HMGCS2 protein (p.Thr143Arg). The threonine residue is highly conserved and there is a moderate physicochemical difference between threonine and arginine. This variant is present in population databases (rs760689678, ExAC 0.009%). This variant has not been reported in the literature in individuals with HMGCS2-related conditions. Algorithms developed to predict the effect of missense changes on protein structure and function are either unavailable or do not agree on the potential impact of this missense change (SIFT: "Deleterious"; PolyPhen-2: "Probably Damaging"; Align-GVGD: "Class C15").

NM_005518.4(HMGCS2):c.428C>G (p.Thr143Arg)

Gene: HMGCS2 (3-hydroxy-3-methylglutaryl-CoA synthase 2; minus strand). Cytogenetic location: 1p12.
Variant type: single nucleotide variant.
Coding change: c.428C>G on transcript NM_005518.4 (MANE Select); coding-DNA position 428, C replaced by G.
Protein change: p.Thr143Arg; replaces threonine 143 with arginine.
Molecular consequence: missense variant.
Genome position (GRCh38, 1-based): chr1:119,764,303, G>C on the plus strand (C>G on the coding strand, the complement: HMGCS2 is on the minus strand). VCF-style: chr1-119764303-G-C. GRCh37 (hg19) VCF-style: chr1-120306926-G-C.
Other names: c.428C>G, p.Thr143Arg (NM_001166107.1); short protein forms T143R.
Identifiers: ClinVar variation 961578 (VCV000961578.9), dbSNP rs760689678, ClinGen allele CA1037892.
Genomic context (GRCh38, chr1:119,764,303, plus strand): 5'-GTGGTATCTATGCCCTCAATATCAGTATTGCCTGAATCCTGGAAGAGTTCCATGAGCACT[G>C]TTTTGACAGCTTTGGACTTGTCAATGATGGTCTCAGTGCCTACTTCCAGCCTGCCCACAG-3'
Protein context (NP_005509.1, residues 133-153): TIIDKSKAVK[Thr143Arg]VLMELFQDSG